The following is an entry in ClinVar:

NM_000179.3(MSH6):c.3628G>A (p.Val1210Met)

Gene: MSH6 (mutS homolog 6; plus strand). Cytogenetic location: 2p16.3.
Variant type: single nucleotide variant.
Coding change: c.3628G>A on transcript NM_000179.3 (MANE Select); coding-DNA position 3628, G replaced by A.
Protein change: p.Val1210Met; replaces valine 1210 with methionine.
Molecular consequence: missense variant.
Genome position (GRCh38, 1-based): chr2:47,805,689, G>A. VCF-style: chr2-47805689-G-A. GRCh37 (hg19) VCF-style: chr2-48032828-G-A.
Other names: c.3238G>A, p.Val1080Met (NM_001281492.2); c.2722G>A, p.Val908Met (NM_001281493.2, NM_001281494.2); short protein forms V1080M, V908M, V1210M.
Identifiers: ClinVar variation 1424193 (VCV001424193.9), dbSNP rs759216143, ClinGen allele CA346760599.

ClinVar aggregate classification (germline): Uncertain significance. Review status: criteria provided, multiple submitters, no conflicts (2 of 4 stars). 2 submissions from 2 submitters: Uncertain significance (2). Last evaluated 2025-09-11.

Conditions:
Hereditary cancer-predisposing syndrome. Also called: Tumor predisposition; Hereditary neoplastic syndrome; Neoplastic Syndromes, Hereditary; Hereditary Cancer Syndrome. Identifiers: Orphanet 140162, MedGen C0027672, MeSH D009386, MONDO:0015356.
Hereditary nonpolyposis colorectal neoplasms. Identifiers: MedGen C0009405, MeSH D003123.

Submissions (2):

Ambry Genetics
Classification: Uncertain significance for Hereditary cancer-predisposing syndrome. Last evaluated: 2025-09-11. Review status: criteria provided, single submitter. Criteria: Ambry Variant Classification Scheme 2023. Collection method: clinical testing. Allele origin: germline.
Comment: The p.V1210M variant (also known as c.3628G>A), located in coding exon 7 of the MSH6 gene, results from a G to A substitution at nucleotide position 3628. The valine at codon 1210 is replaced by methionine, an amino acid with highly similar properties. This amino acid position is highly conserved in available vertebrate species. In addition, this alteration is predicted to be deleterious by in silico analysis. Based on the available evidence, the clinical significance of this variant remains unclear.

Labcorp Genetics (formerly Invitae), Labcorp
Classification: Uncertain significance for Hereditary nonpolyposis colorectal neoplasms. Last evaluated: 2025-05-27. Review status: criteria provided, single submitter. Criteria: Invitae Variant Classification Sherloc (09022015). Collection method: clinical testing. Allele origin: germline.
Comment: This sequence change replaces valine, which is neutral and non-polar, with methionine, which is neutral and non-polar, at codon 1210 of the MSH6 protein (p.Val1210Met). This variant is not present in population databases (gnomAD no frequency). This variant has not been reported in the literature in individuals affected with MSH6-related conditions. ClinVar contains an entry for this variant (Variation ID: 1424193). Invitae Evidence Modeling of protein sequence and biophysical properties (such as structural, functional, and spatial information, amino acid conservation, physicochemical variation, residue mobility, and thermodynamic stability) indicates that this missense variant is expected to disrupt MSH6 protein function with a positive predictive value of 80%. In summary, the available evidence is currently insufficient to determine the role of this variant in disease. Therefore, it has been classified as a Variant of Uncertain Significance.